The following is an entry in ClinVar:

NM_001370100.5(ZMYND11):c.1384G>A (p.Val462Met)

Genes: ZMYND11 (zinc finger MYND-type containing 11; plus strand), LOC126860802 (BRD4-independent group 4 enhancer GRCh37_chr10:294268-295467; plus strand). Cytogenetic location: 10p15.3.
Variant type: single nucleotide variant.
Coding change: c.1384G>A on transcript NM_001370100.5 (MANE Select); coding-DNA position 1384, G replaced by A.
Protein change: p.Val462Met; replaces valine 462 with methionine.
Molecular consequence: missense variant. On other transcripts: non-coding transcript variant (1).
Genome position (GRCh38, 1-based): chr10:248,492, G>A. VCF-style: chr10-248492-G-A. GRCh37 (hg19) VCF-style: chr10-294432-G-A.
Other names: c.1129G>A, p.Val377Met (NM_001370110.2, NM_001202465.3); c.1219G>A, p.Val407Met (NM_001370111.2, NM_001202466.3); c.1333G>A, p.Val445Met (NM_001370112.2, NM_001330057.3); c.1291G>A, p.Val431Met (NM_001370113.2, NM_001370114.2); c.1381G>A, p.Val461Met (NM_001370115.2, NM_212479.4); c.1318G>A, p.Val440Met (NM_001370116.2); c.1315G>A, p.Val439Met (NM_001370117.2); c.1264G>A, p.Val422Met (NM_001370118.2); and 8 more; short protein forms V305M, V343M, V360M, V368M, V377M, V386M, V407M, V408M.
Identifiers: ClinVar variation 1050251 (VCV001050251.3), dbSNP rs537691769, ClinGen allele CA5379229.

ClinVar aggregate classification (germline): Likely benign. Review status: criteria provided, single submitter (1 of 4 stars). 2 submissions from 2 submitters: Likely benign (1). 1 of the submissions does not count toward it. Last evaluated 2025-06-29.

Allele frequency attached by ClinVar (database versions not stated): 1000 Genomes Project 30x 0.00062; 1000 Genomes Project 0.00080.
gnomAD v4.1: 207 of 1,614,154 alleles (0.013%); highest among the groups gnomAD compares: South Asian, 0.2%; 4 homozygotes.

Submissions (2):

Labcorp Genetics (formerly Invitae), Labcorp
Classification: Likely benign. Last evaluated: 2025-06-29. Review status: criteria provided, single submitter. Criteria: Invitae Variant Classification Sherloc (09022015). Collection method: clinical testing. Allele origin: germline.

Department of Pathology and Laboratory Medicine, Sinai Health System
Classification: Likely benign. Review status: no assertion criteria provided. Collection method: clinical testing. Allele origin: unknown. Affected: yes. Study: The Canadian Open Genetics Repository (COGR). Not counted in ClinVar's aggregate classification.
Comment: The ZMYND11 p.Val462Met variant was not identified in the literature nor was it identified in ClinVar, Cosmic, or LOVD 3.0. The variant was identified in dbSNP (ID: rs537691769) and in control databases in 71 of 282724 chromosomes at a frequency of 0.000251 (Genome Aggregation Database Feb 27, 2017). The variant was observed in the following populations: South Asian in 59 of 30616 chromosomes (freq: 0.001927), East Asian in 4 of 19952 chromosomes (freq: 0.000201), African in 2 of 24964 chromosomes (freq: 0.00008) and European (non-Finnish) in 6 of 129054 chromosomes (freq: 0.000046); it was not observed in the Latino, Ashkenazi Jewish, European (Finnish) or Other populations. The variant occurs outside of the splicing consensus sequence and 3 out of 4 in silico or computational programs (MaxEntScan, NNSPLICE, GeneSplicer) do not predict a greater than 10% difference in splicing. The p.Val462 residue is conserved in mammals but not in more distantly related organisms however computational analyses (SIFT, AlignGVGD, and BLOSUM) do not suggest a high likelihood of impact to the protein; this information is not predictive enough to rule out pathogenicity. In summary, based on the above information the clinical significance of this variant cannot be determined with certainty at this time although we would lean towards a more benign role for this variant. This variant is classified as likely benign.